The following is an entry in ClinVar:

NM_000399.5(EGR2):c.915C>A (p.Ala305=)

Gene: EGR2 (early growth response 2; minus strand). Cytogenetic location: 10q21.3.
Variant type: single nucleotide variant.
Coding change: c.915C>A on transcript NM_000399.5 (MANE Select); coding-DNA position 915, C replaced by A.
Protein change: p.Ala305=; no amino-acid change (alanine 305 retained).
Molecular consequence: synonymous variant.
Genome position (GRCh38, 1-based): chr10:62,813,723, G>T on the plus strand (C>A on the coding strand, the complement: EGR2 is on the minus strand). VCF-style: chr10-62813723-G-T. GRCh37 (hg19) VCF-style: chr10-64573483-G-T.
Other names: c.915C>A (NM_000399.4); c.915C>A, p.Ala305= (NM_001136177.3, NM_001136178.2); c.765C>A, p.Ala255= (NM_001136179.3, NM_001321037.2).
Identifiers: ClinVar variation 696170 (VCV000696170.8), dbSNP rs759462455, ClinGen allele CA5517202.

ClinVar aggregate classification (germline): Likely benign. Review status: criteria provided, multiple submitters, no conflicts (2 of 4 stars). 2 submissions from 2 submitters: Likely benign (2). Last evaluated 2026-04-24.

Conditions:
EGR2-related disorder. Also called: EGR2-related condition.
Charcot-Marie-Tooth disease, type I (CMT1). Also called: Charcot-Marie-Tooth disease type 1; Charcot-Marie-Tooth, Type 1. Identifiers: Orphanet 65753, MedGen C0751036, MONDO:0019011.

Allele frequency attached by ClinVar (database versions not stated): TOPMed 0.00008; gnomAD 0.00014 and 0.00015.
gnomAD v4.1: 38 of 1,611,080 alleles (0.0024%); highest among the groups gnomAD compares: African/African-American, 0.048%; no homozygotes.

Submissions (2):

PreventionGenetics, part of Exact Sciences
Classification: Likely benign for EGR2-related condition. Last evaluated: 2026-04-24. Review status: criteria provided, single submitter. Criteria: ACMG Guidelines, 2015. Collection method: clinical testing. Allele origin: germline.
Comment: This variant is classified as likely benign based on ACMG/AMP sequence variant interpretation guidelines (Richards et al. 2015 PMID: 25741868, with internal and published modifications).

Labcorp Genetics (formerly Invitae), Labcorp
Classification: Likely benign for Charcot-Marie-Tooth disease, type I. Last evaluated: 2026-01-15. Review status: criteria provided, single submitter. Criteria: Invitae Variant Classification Sherloc (09022015). Collection method: clinical testing. Allele origin: germline.